The following is an entry in ClinVar:

NM_000540.3(RYR1):c.12243G>A (p.Thr4081=)

Gene: RYR1 (ryanodine receptor 1; plus strand). Cytogenetic location: 19q13.2.
Variant type: single nucleotide variant.
Coding change: c.12243G>A on transcript NM_000540.3 (MANE Select); coding-DNA position 12243, G replaced by A.
Protein change: p.Thr4081=; no amino-acid change (threonine 4081 retained).
Molecular consequence: synonymous variant.
Genome position (GRCh38, 1-based): chr19:38,548,381, G>A. VCF-style: chr19-38548381-G-A. GRCh37 (hg19) VCF-style: chr19-39039021-G-A.
Other names: c.12228G>A, p.Thr4076= (NM_001042723.2); c.12243G>A (NM_000540.2).
Identifiers: ClinVar variation 1530675 (VCV001530675.11), dbSNP rs762454885, ClinGen allele CA308096013.
Genomic context (GRCh38, chr19:38,548,381, plus strand): 5'-CGACATGTTCCTGAAACTCAAGGACATTGTGGGCTCTGAAGCCTTCCAGGACTACGTAAC[G>A]GATCCCCGTGGCCTCATCTCCAAGAAGGACTTCCAGAAGGTGGGTGTGGGACATCGTGTG-3'
Protein context (NP_000531.2, residues 4071-4091): VGSEAFQDYV[Thr4081=]DPRGLISKKD

ClinVar aggregate classification (germline): Likely benign. Review status: criteria provided, multiple submitters, no conflicts (2 of 4 stars). 3 submissions from 3 submitters: Likely benign (2). 1 of the submissions does not count toward it. Last evaluated 2025-05-23.

Conditions:
RYR1-related disorder. Also called: RYR1-related condition; RYR1-related disorders. Identifiers: MedGen CN239331.
Malignant hyperthermia, susceptibility to, 1 (MHS1). Also called: RYR1-Related Malignant Hyperthermia Susceptibility; Anesthesia related hyperthermia; Malignant hyperpyrexia; Fulminating hyperpyrexia; Pharmacogenic myopathy; Malignant hyperthermia suceptibility 1. Identifiers: Orphanet 423, MedGen C2930980, MONDO:0007783, OMIM 145600.

Allele frequency attached by ClinVar (database versions not stated): gnomAD exomes 0.00001 and 0.00002; gnomAD 0.00003; TOPMed 0.00004.
gnomAD v4.1: 27 of 1,613,980 alleles (0.0017%); highest among the groups gnomAD compares: East Asian, 0.0045%; no homozygotes.

Submissions (3):

Labcorp Genetics (formerly Invitae), Labcorp
Classification: Likely benign for RYR1-related disorder. Last evaluated: 2025-05-23. Review status: criteria provided, single submitter. Criteria: Invitae Variant Classification Sherloc (09022015). Collection method: clinical testing. Allele origin: germline.

Color Diagnostics, LLC DBA Color Health
Classification: Likely benign for Malignant hyperthermia, susceptibility to, 1. Last evaluated: 2022-11-06. Review status: criteria provided, single submitter. Criteria: ACMG Guidelines, 2015. Collection method: clinical testing. Allele origin: germline.

PreventionGenetics, part of Exact Sciences
Classification: Likely benign for RYR1-related condition. Last evaluated: 2023-01-20. Review status: no assertion criteria provided. Collection method: clinical testing. Allele origin: germline. Not counted in ClinVar's aggregate classification.
Comment: This variant is classified as likely benign based on ACMG/AMP sequence variant interpretation guidelines (Richards et al. 2015 PMID: 25741868, with internal and published modifications).